The following is an entry in ClinVar:

ClinVar aggregate classification (germline): Pathogenic (1 of 4 stars; one submission).

Conditions:
Tuberous sclerosis 2 (TSC2). Identifiers: Orphanet 805, MedGen C1860707, MONDO:0013199, OMIM 613254.

Submission:

Labcorp Genetics (formerly Invitae), Labcorp
Classification: Pathogenic for Tuberous sclerosis 2. Last evaluated: 2017-11-03. Review status: criteria provided, single submitter. Criteria: Invitae Variant Classification Sherloc (09022015). Collection method: clinical testing. Allele origin: unknown.
Comment: For these reasons, this variant has been classified as Pathogenic. Loss-of-function variants in TSC2 are known to be pathogenic (PMID: 10205261, 17304050). Similar deletions have not been reported in the literature in individuals with TSC2-related disease. This variant is a gross deletion of the genomic region encompassing part of exon 31 of the TSC2 gene including the exon 31-intron 31 boundary (c.3641_3814+28del). This is expected to create a premature translational stop signal and result in an absent or disrupted protein product.

Literature cited by the submitters: PubMed 10205261; PubMed 17304050.

NC_000016.9:g.(?_2131626)_(2131827_?)del

Gene: TSC2 (TSC complex subunit 2; plus strand). Cytogenetic location: 16p13.3.
Variant type: Deletion.
Identifiers: ClinVar variation 3243473 (VCV003243473.1).